The following is an entry in ClinVar:

NM_004525.3(LRP2):c.1612C>G (p.Leu538Val)

Gene: LRP2 (LDL receptor related protein 2; minus strand). Cytogenetic location: 2q31.1.
Variant type: single nucleotide variant.
Coding change: c.1612C>G on transcript NM_004525.3 (MANE Select); coding-DNA position 1612, C replaced by G.
Protein change: p.Leu538Val; replaces leucine 538 with valine.
Molecular consequence: missense variant.
Genome position (GRCh38, 1-based): chr2:169,277,905, G>C on the plus strand (C>G on the coding strand, the complement: LRP2 is on the minus strand). VCF-style: chr2-169277905-G-C. GRCh37 (hg19) VCF-style: chr2-170134415-G-C.
Other names: c.1612C>G (NM_004525.2); short protein forms L538V.
Identifiers: ClinVar variation 1424102 (VCV001424102.4), dbSNP rs377194764, ClinGen allele CA1955509.

ClinVar aggregate classification (germline): Conflicting classifications of pathogenicity. Review status: criteria provided, conflicting classifications (1 of 4 stars). 2 submissions from 2 submitters: Uncertain significance (1); Likely benign (1). Last evaluated 2024-03-19.

Conditions:
Inborn genetic diseases. Identifiers: MedGen C0950123, MeSH D030342.

Allele frequency attached by ClinVar (database versions not stated): gnomAD exomes below 0.00001; ExAC 0.00001; gnomAD 0.00001; TOPMed 0.00002; 1000 Genomes Project 30x 0.00016; 1000 Genomes Project 0.00020.
gnomAD v4.1: 3 of 1,613,930 alleles (0.00019%); highest among the groups gnomAD compares: East Asian, 0.0022%; no homozygotes.

Submissions (2):

Ambry Genetics
Classification: Likely benign for Inborn genetic diseases. Last evaluated: 2024-03-19. Review status: criteria provided, single submitter. Criteria: Ambry Variant Classification Scheme 2023. Collection method: clinical testing. Allele origin: germline.

Labcorp Genetics (formerly Invitae), Labcorp
Classification: Uncertain significance. Last evaluated: 2022-07-20. Review status: criteria provided, single submitter. Criteria: Invitae Variant Classification Sherloc (09022015). Collection method: clinical testing. Allele origin: germline.
Comment: This sequence change replaces leucine, which is neutral and non-polar, with valine, which is neutral and non-polar, at codon 538 of the LRP2 protein (p.Leu538Val). This variant is not present in population databases (gnomAD no frequency). This variant has not been reported in the literature in individuals affected with LRP2-related conditions. ClinVar contains an entry for this variant (Variation ID: 1424102). Advanced modeling of protein sequence and biophysical properties (such as structural, functional, and spatial information, amino acid conservation, physicochemical variation, residue mobility, and thermodynamic stability) performed at Invitae indicates that this missense variant is not expected to disrupt LRP2 protein function. Algorithms developed to predict the effect of sequence changes on RNA splicing suggest that this variant may create or strengthen a splice site. In summary, the available evidence is currently insufficient to determine the role of this variant in disease. Therefore, it has been classified as a Variant of Uncertain Significance.